The following is an entry in ClinVar:

NM_000051.4(ATM):c.4524C>A (p.Tyr1508Ter)

Gene: ATM (ATM serine/threonine kinase; plus strand). Cytogenetic location: 11q22.3.
Variant type: single nucleotide variant.
Coding change: c.4524C>A on transcript NM_000051.4 (MANE Select); coding-DNA position 4524, C replaced by A.
Protein change: p.Tyr1508Ter; replaces tyrosine 1508 with a stop codon.
Molecular consequence: nonsense.
Genome position (GRCh38, 1-based): chr11:108,292,706, C>A. VCF-style: chr11-108292706-C-A. GRCh37 (hg19) VCF-style: chr11-108163433-C-A.
Other names: c.4524C>A, p.Tyr1508Ter (NM_001351834.2); short protein forms Y1508*.
Identifiers: ClinVar variation 824972 (VCV000824972.10), dbSNP rs1555099892, ClinGen allele CA382533669.

ClinVar aggregate classification (germline): Pathogenic. Review status: criteria provided, multiple submitters, no conflicts (2 of 4 stars). 3 submissions from 3 submitters: Pathogenic (3). Last evaluated 2024-01-24.

Conditions:
Ataxia-telangiectasia syndrome (AT). Also called: ATAXIA-TELANGIECTASIA, COMPLEMENTATION GROUP A; ATAXIA-TELANGIECTASIA, FRESNO VARIANT; Ataxia-telangiectasia, complementation group E; Ataxia telangiectasia (A-T); LOUIS-BAR SYNDROME; Cerebello-oculocutaneous telangiectasia. Identifiers: Orphanet 100, MedGen C0004135, MONDO:0008840, OMIM 208900.
Hereditary cancer-predisposing syndrome. Also called: Neoplastic Syndromes, Hereditary; Hereditary Cancer Syndrome; Hereditary neoplastic syndrome; Tumor predisposition. Identifiers: Orphanet 140162, MedGen C0027672, MeSH D009386, MONDO:0015356.
Familial cancer of breast. Also called: hereditary breast carcinoma; BREAST CANCER, FAMILIAL; Hereditary breast cancer. Identifiers: Orphanet 227535, MedGen C0346153, MONDO:0016419, OMIM 114480. Disease mechanism: loss of function.

Allele frequency attached by ClinVar (database versions not stated): gnomAD exomes below 0.00001.
gnomAD v4.1: 1 of 1,613,842 alleles (0.000062%); highest among the groups gnomAD compares: Non-Finnish European, 0.000085%; no homozygotes.

Submissions (3):

Myriad Genetics, Inc.
Classification: Pathogenic for Familial cancer of breast. Last evaluated: 2024-01-24. Review status: criteria provided, single submitter. Criteria: Myriad Autosomal Dominant, Autosomal Recessive and X-Linked Classification Criteria (2023). Collection method: clinical testing. Allele origin: unknown.
Comment: This variant is considered pathogenic. This variant creates a termination codon and is predicted to result in premature protein truncation.

Labcorp Genetics (formerly Invitae), Labcorp
Classification: Pathogenic for Ataxia-telangiectasia syndrome. Last evaluated: 2020-11-26. Review status: criteria provided, single submitter. Criteria: Invitae Variant Classification Sherloc (09022015). Collection method: clinical testing. Allele origin: germline.
Comment: For these reasons, this variant has been classified as Pathogenic. This variant has not been reported in the literature in individuals with ATM-related conditions. ClinVar contains an entry for this variant (Variation ID: 824972). This variant is not present in population databases (ExAC no frequency). This sequence change creates a premature translational stop signal (p.Tyr1508*) in the ATM gene. It is expected to result in an absent or disrupted protein product. Loss-of-function variants in ATM are known to be pathogenic (PMID: 23807571, 25614872).

Ambry Genetics
Classification: Pathogenic for Hereditary cancer-predisposing syndrome. Last evaluated: 2019-03-05. Review status: criteria provided, single submitter. Criteria: Ambry Variant Classification Scheme 2023. Collection method: clinical testing. Allele origin: germline.
Comment: The p.Y1508* pathogenic mutation (also known as c.4524C>A), located in coding exon 29 of the ATM gene, results from a C to A substitution at nucleotide position 4524. This changes the amino acid from a tyrosine to a stop codon within coding exon 29. This alteration is expected to result in loss of function by premature protein truncation or nonsense-mediated mRNA decay. As such, this alteration is interpreted as a disease-causing mutation.

Literature cited by the submitters: PubMed 23807571 (cited by Labcorp Genetics (formerly Invitae), Labcorp); PubMed 25614872 (cited by Labcorp Genetics (formerly Invitae), Labcorp).